The following is an entry in ClinVar:

NM_000179.3(MSH6):c.3859_3862dup (p.Lys1288delinsIleTer)

Gene: MSH6 (mutS homolog 6; plus strand). Cytogenetic location: 2p16.3.
Variant type: Microsatellite.
Coding change: c.3859_3862dup on transcript NM_000179.3 (MANE Select); coding-DNA positions 3859 to 3862, 4 bases duplicated (TATA; older notation c.3859_3862dupTATA).
Protein change: p.Lys1288delinsIleTer.
Molecular consequence: nonsense. On other transcripts: frameshift variant (2), non-coding transcript variant (5), intron variant (1).
Genome position (GRCh38, 1-based): chr2:47,806,509-47,806,512, TATA duplicated. VCF-style (leftmost placement, unchanged base first): chr2-47806508-C-CTATA. GRCh37 (hg19) VCF-style: chr2-48033647-C-CTATA.
Other names: c.3859_3860TA[4], p.Lys1288Ilefs (NM_000179.2); c.3469_3472dup, p.Lys1158delinsIleTer (NM_001281492.2); c.2953_2956dup, p.Lys986delinsIleTer (NM_001281493.2, NM_001281494.2, NM_001406811.1 and 6 more transcripts); c.3955_3958dup, p.Lys1320delinsIleTer (NM_001406795.1); c.3859_3862dup, p.Lys1288delinsIleTer (NM_001406796.1, NM_001406808.1, NM_001406809.1); c.3562_3565dup, p.Lys1189delinsIleTer (NM_001406797.1, NM_001406801.1, NM_001406805.1 and 10 more transcripts); c.3685_3688dup, p.Lys1230delinsIleTer (NM_001406798.1); c.3334_3337dup, p.Lys1113delinsIleTer (NM_001406799.1, NM_001406806.1, NM_001406807.1); and 11 more; short protein forms N1284fs.
Identifiers: ClinVar variation 2673758 (VCV002673758.3), dbSNP rs2530862015, ClinGen allele CA2695200637.

ClinVar aggregate classification (germline): Pathogenic. Review status: criteria provided, multiple submitters, no conflicts (2 of 4 stars). 3 submissions from 3 submitters: Pathogenic (3). Last evaluated 2025-02-18.

Conditions:
Hereditary nonpolyposis colorectal neoplasms. Identifiers: MedGen C0009405, MeSH D003123.
Hereditary cancer-predisposing syndrome. Also called: Tumor predisposition; Hereditary neoplastic syndrome; Neoplastic Syndromes, Hereditary; Hereditary Cancer Syndrome. Identifiers: Orphanet 140162, MedGen C0027672, MeSH D009386, MONDO:0015356.
Lynch syndrome 5 (LYNCH5). Also called: Colorectal cancer, hereditary nonpolyposis, type 5; Hereditary non-polyposis colorectal cancer, type 5. Identifiers: Orphanet 144, MedGen C1833477, MONDO:0013710, OMIM 614350. Disease mechanism: loss of function.

Submissions (3):

Ambry Genetics
Classification: Pathogenic for Hereditary cancer-predisposing syndrome. Last evaluated: 2025-02-18. Review status: criteria provided, single submitter. Criteria: Ambry Variant Classification Scheme 2023. Collection method: clinical testing. Allele origin: germline.
Comment: The c.3859_3862dupTATA pathogenic mutation, located in coding exon 9 of the MSH6 gene, results from a duplication of TATA at nucleotide position 3859, causing a translational frameshift with a predicted alternate stop codon (p.K1288Ifs*2). This variant is considered to be rare based on population cohorts in the Genome Aggregation Database (gnomAD). This alteration is expected to result in loss of function by premature protein truncation or nonsense-mediated mRNA decay. As such, this alteration is interpreted as a disease-causing mutation.

Labcorp Genetics (formerly Invitae), Labcorp
Classification: Pathogenic for Hereditary nonpolyposis colorectal neoplasms. Last evaluated: 2025-02-12. Review status: criteria provided, single submitter. Criteria: Invitae Variant Classification Sherloc (09022015). Collection method: clinical testing. Allele origin: germline.
Comment: This sequence change creates a premature translational stop signal (p.Lys1288Ilefs*2) in the MSH6 gene. It is expected to result in an absent or disrupted protein product. Loss-of-function variants in MSH6 are known to be pathogenic (PMID: 18269114, 24362816). This variant is not present in population databases (gnomAD no frequency). This variant has not been reported in the literature in individuals affected with MSH6-related conditions. Algorithms developed to predict the effect of sequence changes on RNA splicing suggest that this variant may disrupt the consensus splice site. For these reasons, this variant has been classified as Pathogenic.

Myriad Genetics, Inc.
Classification: Pathogenic for Lynch syndrome 5. Last evaluated: 2023-08-25. Review status: criteria provided, single submitter. Criteria: Myriad Autosomal Dominant, Autosomal Recessive and X-Linked Classification Criteria (2023). Collection method: clinical testing. Allele origin: unknown.
Comment: This variant is considered pathogenic. This variant creates a frameshift predicted to result in premature protein truncation.

Literature cited by the submitters: PubMed 18269114 (cited by Labcorp Genetics (formerly Invitae), Labcorp); PubMed 24362816 (cited by Labcorp Genetics (formerly Invitae), Labcorp).